The following is an entry in ClinVar:

ClinVar aggregate classification (germline): Uncertain significance (1 of 4 stars; one submission).

Submission:

Labcorp Genetics (formerly Invitae), Labcorp
Classification: Uncertain significance. Last evaluated: 2025-02-06. Review status: criteria provided, single submitter. Criteria: Invitae Variant Classification Sherloc (09022015). Collection method: clinical testing. Allele origin: germline.
Comment: This sequence change replaces proline, which is neutral and non-polar, with glutamic acid, which is acidic and polar, at codon 960 of the DNAH9 protein (p.Pro960Glu). Information on the frequency of this variant in the gnomAD database is not available, as this variant may be reported differently in the database. This variant has not been reported in the literature in individuals affected with DNAH9-related conditions. ClinVar contains an entry for this variant (Variation ID: 1364430). An algorithm developed to predict the effect of missense changes on protein structure and function (PolyPhen-2) suggests that this variant is likely to be tolerated. In summary, the available evidence is currently insufficient to determine the role of this variant in disease. Therefore, it has been classified as a Variant of Uncertain Significance.

NM_001372.4(DNAH9):c.2878_2879delinsGA (p.Pro960Glu)

Genes: DNAH9 (dynein axonemal heavy chain 9; plus strand), LOC126862505 (BRD4-independent group 4 enhancer GRCh37_chr17:11572478-11573677; plus strand). Cytogenetic location: 17p12.
Variant type: Indel.
Coding change: c.2878_2879delinsGA on transcript NM_001372.4 (MANE Select); coding-DNA positions 2878 to 2879, CC replaced by GA.
Protein change: p.Pro960Glu; replaces proline 960 with glutamic acid.
Molecular consequence: missense variant.
Genome position (GRCh38, 1-based): chr17:11,669,210-11,669,211, CC replaced by GA. VCF-style: chr17-11669210-CC-GA. GRCh37 (hg19) VCF-style: chr17-11572527-CC-GA.
Other names: short protein forms P960E.
Identifiers: ClinVar variation 1364430 (VCV001364430.8), dbSNP rs2150727624, ClinGen allele CA2573153033.